The following is an entry in ClinVar:

ClinVar aggregate classification (germline): Likely benign (0 of 4 stars; one submission).

Conditions:
FYB1-related disorder. Also called: FYB1-related condition.

Allele frequency attached by ClinVar (database versions not stated): gnomAD exomes 0.00010; TOPMed 0.00021; gnomAD 0.00025; ExAC 0.00057; 1000 Genomes Project 0.00140.
gnomAD v4.1: 183 of 1,598,608 alleles (0.011%); highest among the groups gnomAD compares: East Asian, 0.39%; 2 homozygotes.

Submission:

PreventionGenetics, part of Exact Sciences
Classification: Likely benign for FYB1-related condition. Last evaluated: 2022-03-16. Review status: no assertion criteria provided. Collection method: clinical testing. Allele origin: germline.
Comment: This variant is classified as likely benign based on ACMG/AMP sequence variant interpretation guidelines (Richards et al. 2015 PMID: 25741868, with internal and published modifications).

NM_001465.6(FYB1):c.1906G>T (p.Gly636Cys)

Gene: FYB1 (FYN binding protein 1; minus strand). Cytogenetic location: 5p13.1.
Variant type: single nucleotide variant.
Coding change: c.1906G>T on transcript NM_001465.6 (MANE Select); coding-DNA position 1906, G replaced by T.
Protein change: p.Gly636Cys; replaces glycine 636 with cysteine.
Molecular consequence: missense variant.
Genome position (GRCh38, 1-based): chr5:39,127,742, C>A on the plus strand (G>T on the coding strand, the complement: FYB1 is on the minus strand). VCF-style: chr5-39127742-C-A. GRCh37 (hg19) VCF-style: chr5-39127844-C-A.
Other names: c.1936G>T, p.Gly646Cys (NM_001243093.2, NM_018594.2); c.1906G>T, p.Gly636Cys (NM_001349333.2, NM_199335.5); short protein forms G636C, G646C.
Identifiers: ClinVar variation 3054911 (VCV003054911.2), dbSNP rs138071153, ClinGen allele CA3246081.